The following is an entry in ClinVar:

NM_000051.4(ATM):c.663-5C>A

Gene: ATM (ATM serine/threonine kinase; plus strand). Cytogenetic location: 11q22.3.
Variant type: single nucleotide variant.
Coding change: c.663-5C>A on transcript NM_000051.4 (MANE Select); 5 bases into the intron before coding-DNA position 663, C replaced by A.
Molecular consequence: intron variant.
Genome position (GRCh38, 1-based): chr11:108,244,783, C>A. VCF-style: chr11-108244783-C-A. GRCh37 (hg19) VCF-style: chr11-108115510-C-A.
Other names: c.663-5C>A (NM_001351834.2).
Identifiers: ClinVar variation 826521 (VCV000826521.13), dbSNP rs1591503207, ClinGen allele CA915947722.

ClinVar aggregate classification (germline): Conflicting classifications of pathogenicity. Review status: criteria provided, conflicting classifications (1 of 4 stars). 2 submissions from 2 submitters: Uncertain significance (1); Likely benign (1). Last evaluated 2021-06-09.

Conditions:
Hereditary cancer-predisposing syndrome. Also called: Neoplastic Syndromes, Hereditary; Hereditary Cancer Syndrome; Hereditary neoplastic syndrome; Tumor predisposition. Identifiers: Orphanet 140162, MedGen C0027672, MeSH D009386, MONDO:0015356.
Ataxia-telangiectasia syndrome (AT). Also called: ATAXIA-TELANGIECTASIA, COMPLEMENTATION GROUP A; ATAXIA-TELANGIECTASIA, FRESNO VARIANT; Ataxia-telangiectasia, complementation group E; Ataxia telangiectasia (A-T); LOUIS-BAR SYNDROME; Cerebello-oculocutaneous telangiectasia. Identifiers: Orphanet 100, MedGen C0004135, MONDO:0008840, OMIM 208900.

Submissions (2):

Ambry Genetics
Classification: Uncertain significance for Hereditary cancer-predisposing syndrome. Last evaluated: 2021-06-09. Review status: criteria provided, single submitter. Criteria: Ambry Variant Classification Scheme 2023. Collection method: clinical testing. Allele origin: germline.
Comment: The c.663-5C>A intronic variant results from a C to A substitution 5 nucleotides upstream from coding exon 6 in the ATM gene. This nucleotide position is poorly conserved in available vertebrate species. In silico splice site analysis predicts that this alteration will not have any significant effect on splicing. RNA studies have demonstrated that this alteration results in abnormal splicing in the set of samples tested, however, this transcript is also seen in non-carrier controls; the clinical impact of this abnormal splicing is unknown at this time (Ambry internal data). Since supporting evidence is limited at this time, the clinical significance of this alteration remains unclear.

Labcorp Genetics (formerly Invitae), Labcorp
Classification: Likely benign for Ataxia-telangiectasia syndrome. Last evaluated: 2019-10-28. Review status: criteria provided, single submitter. Criteria: Invitae Variant Classification Sherloc (09022015). Collection method: clinical testing. Allele origin: germline.